The following is an entry in ClinVar:

ClinVar aggregate classification (germline): Uncertain significance (1 of 4 stars; one submission).

gnomAD v4.1: 23 of 1,613,838 alleles (0.0014%); highest among the groups gnomAD compares: Non-Finnish European, 0.0019%; no homozygotes.

Submission:

Ambry Genetics
Classification: Uncertain significance. Last evaluated: 2026-04-15. Review status: criteria provided, single submitter. Criteria: Ambry Variant Classification Scheme 2023. Collection method: clinical testing. Allele origin: germline.
Comment: The c.3007G>C (p.A1003P) alteration is located in exon 3 (coding exon 2) of the ZFHX4 gene. This alteration results from a G to C substitution at nucleotide position 3007, causing the alanine (A) at amino acid position 1003 to be replaced by a proline (P). Based on data from gnomAD, the C allele has an overall frequency of <0.001% (1/249190) total alleles studied. The highest observed frequency was 0.001% (1/112950) of European (non-Finnish) alleles. Based on insufficient or conflicting evidence, the clinical significance of this alteration remains unclear.

NM_024721.5(ZFHX4):c.3007G>C (p.Ala1003Pro)

Gene: ZFHX4 (zinc finger homeobox 4; plus strand). Cytogenetic location: 8q21.13.
Variant type: single nucleotide variant.
Coding change: c.3007G>C on transcript NM_024721.5 (MANE Select); coding-DNA position 3007, G replaced by C.
Protein change: p.Ala1003Pro; replaces alanine 1003 with proline.
Molecular consequence: missense variant.
Genome position (GRCh38, 1-based): chr8:76,707,962, G>C. VCF-style: chr8-76707962-G-C. GRCh37 (hg19) VCF-style: chr8-77620197-G-C.
Other names: c.2929G>C, p.Ala977Pro (NM_001410934.1); short protein forms A1003P, A977P.
Identifiers: ClinVar variation 4866889 (VCV004866889.1).